The following is an entry in ClinVar:

NM_000090.4(COL3A1):c.3476C>T (p.Pro1159Leu)

Gene: COL3A1 (collagen type III alpha 1 chain; plus strand). Cytogenetic location: 2q32.2.
Variant type: single nucleotide variant.
Coding change: c.3476C>T on transcript NM_000090.4 (MANE Select); coding-DNA position 3476, C replaced by T.
Protein change: p.Pro1159Leu; replaces proline 1159 with leucine.
Molecular consequence: missense variant.
Genome position (GRCh38, 1-based): chr2:189,008,093, C>T. VCF-style: chr2-189008093-C-T. GRCh37 (hg19) VCF-style: chr2-189872819-C-T.
Other names: short protein forms P1159L.
Identifiers: ClinVar variation 934177 (VCV000934177.10), dbSNP rs1378423439, ClinGen allele CA349846482.

ClinVar aggregate classification (germline): Uncertain significance. Review status: criteria provided, multiple submitters, no conflicts (2 of 4 stars). 3 submissions from 3 submitters: Uncertain significance (3). Last evaluated 2024-03-24.

Conditions:
Familial thoracic aortic aneurysm and aortic dissection (TAAD). Also called: Thoracic aortic aneurysms and dissections. Identifiers: Orphanet 91387, MedGen C4707243, MONDO:0019625.
Ehlers-Danlos syndrome, type 4 (EDSVASC). Also called: Ehlers-Danlos syndrome vascular type; Ehlers Danlos syndrome, ecchymotic type; Ehlers Danlos syndrome, arterial type; Ehlers Danlos syndrome, Sack-Barabas type; Ehlers-Danlos Syndrome Type IV. Identifiers: Orphanet 286, MedGen C0268338, MONDO:0017314, OMIM 130050.

Allele frequency attached by ClinVar (database versions not stated): gnomAD exomes below 0.00001; TOPMed 0.00001.
gnomAD v4.1: 1 of 1,613,938 alleles (0.000062%); highest among the groups gnomAD compares: Non-Finnish European, 0.000085%; no homozygotes.

Submissions (3):

All of Us Research Program, National Institutes of Health
Classification: Uncertain significance for Ehlers-Danlos syndrome, type 4. Last evaluated: 2024-03-24. Review status: criteria provided, single submitter. Criteria: ACMG Guidelines, 2015. Collection method: clinical testing. Allele origin: germline. Inheritance: Autosomal dominant inheritance. Observed: 1 variant allele, 1 heterozygote.
Comment: This missense variant replaces proline with leucine at codon 1159 of the COL3A1 protein. Computational prediction is inconclusive regarding the impact of this variant on protein structure and function (internally defined REVEL score threshold 0.5 < inconclusive < 0.7, PMID: 27666373). To our knowledge, functional studies have not been reported for this variant. This variant has not been reported in individuals affected with COL3A1-related disorders in the literature. This variant has not been identified in the general population by the Genome Aggregation Database (gnomAD). The available evidence is insufficient to determine the role of this variant in disease conclusively. Therefore, this variant is classified as a Variant of Uncertain Significance.

This study involves interpretation of variants in research participants for the purpose of population health screening. Participant phenotype was not available at the time of variant classification. Additional details can be found in publication PMID: 35346344, PMCID: PMC8962531

Color Diagnostics, LLC DBA Color Health
Classification: Uncertain significance for Familial thoracic aortic aneurysm and aortic dissection. Last evaluated: 2023-09-18. Review status: criteria provided, single submitter. Criteria: ACMG Guidelines, 2015. Collection method: clinical testing. Allele origin: germline.
Comment: This missense variant replaces proline with leucine at codon 1159 of the COL3A1 protein. Computational prediction is inconclusive regarding the impact of this variant on protein structure and function (internally defined REVEL score threshold 0.5 < inconclusive < 0.7, PMID: 27666373). To our knowledge, functional studies have not been reported for this variant. This variant has not been reported in individuals affected with COL3A1-related disorders in the literature. This variant has not been identified in the general population by the Genome Aggregation Database (gnomAD). The available evidence is insufficient to determine the role of this variant in disease conclusively. Therefore, this variant is classified as a Variant of Uncertain Significance.

Labcorp Genetics (formerly Invitae), Labcorp
Classification: Uncertain significance for Ehlers-Danlos syndrome, type 4. Last evaluated: 2022-08-07. Review status: criteria provided, single submitter. Criteria: Invitae Variant Classification Sherloc (09022015). Collection method: clinical testing. Allele origin: germline.
Comment: This sequence change replaces proline, which is neutral and non-polar, with leucine, which is neutral and non-polar, at codon 1159 of the COL3A1 protein (p.Pro1159Leu). This variant is not present in population databases (gnomAD no frequency). This variant has not been reported in the literature in individuals affected with COL3A1-related conditions. ClinVar contains an entry for this variant (Variation ID: 934177). Advanced modeling of protein sequence and biophysical properties (such as structural, functional, and spatial information, amino acid conservation, physicochemical variation, residue mobility, and thermodynamic stability) performed at Invitae indicates that this missense variant is not expected to disrupt COL3A1 protein function. In summary, the available evidence is currently insufficient to determine the role of this variant in disease. Therefore, it has been classified as a Variant of Uncertain Significance.